The following is an entry in ClinVar:

NM_000038.6(APC):c.6617A>G (p.Asn2206Ser)

Gene: APC (APC regulator of Wnt signaling pathway; plus strand). Cytogenetic location: 5q22.2.
Variant type: single nucleotide variant.
Coding change: c.6617A>G on transcript NM_000038.6 (MANE Select); coding-DNA position 6617, A replaced by G.
Protein change: p.Asn2206Ser; replaces asparagine 2206 with serine.
Molecular consequence: missense variant.
Genome position (GRCh38, 1-based): chr5:112,842,211, A>G. VCF-style: chr5-112842211-A-G. GRCh37 (hg19) VCF-style: chr5-112177908-A-G.
Other names: c.6344A>G, p.Asn2115Ser (NM_001354902.2); c.6314A>G, p.Asn2105Ser (NM_001354903.2); c.6239A>G, p.Asn2080Ser (NM_001354904.2); c.6137A>G, p.Asn2046Ser (NM_001354905.2); c.5768A>G, p.Asn1923Ser (NM_001354906.2); c.6617A>G, p.Asn2206Ser (NM_001127510.3, NM_001354895.2); c.6563A>G, p.Asn2188Ser (NM_001127511.3); c.6671A>G, p.Asn2224Ser (NM_001354896.2); and 5 more; short protein forms N2080S, N2178S, N2216S, N2224S, N2046S, N2147S, N1923S, N2105S.
Identifiers: ClinVar variation 920902 (VCV000920902.5), dbSNP rs1766261400, ClinGen allele CA16035805.
Genomic context (GRCh38, chr5:112,842,211, plus strand): 5'-AAGGAATCAAAGGAGGAAAAAAAGTTTATAAAAGTTTGATTACTGGAAAAGTTCGATCTA[A>G]TTCAGAAATTTCAGGCCAAATGAAACAGCCCCTTCAAGCAAACATGCCTTCAATCTCTCG-3'
Protein context (NP_000029.2, residues 2196-2216): KSLITGKVRS[Asn2206Ser]SEISGQMKQP

ClinVar aggregate classification (germline): Uncertain significance. Review status: criteria provided, multiple submitters, no conflicts (2 of 4 stars). 2 submissions from 2 submitters: Uncertain significance (2). Last evaluated 2024-03-08.

Conditions:
Familial adenomatous polyposis 1 (FAP1). Also called: FAMILIAL ADENOMATOUS POLYPOSIS 1, ATTENUATED; POLYPOSIS, ADENOMATOUS INTESTINAL. Identifiers: MedGen C2713442, MONDO:0021056, OMIM 175100. Disease mechanism: loss of function.
Hereditary cancer-predisposing syndrome. Also called: Neoplastic Syndromes, Hereditary; Tumor predisposition; Hereditary Cancer Syndrome; Hereditary neoplastic syndrome. Identifiers: Orphanet 140162, MedGen C0027672, MeSH D009386, MONDO:0015356.

Submissions (2):

Baylor Genetics
Classification: Uncertain significance for Familial adenomatous polyposis 1. Last evaluated: 2024-03-08. Review status: criteria provided, single submitter. Criteria: ACMG Guidelines, 2015. Collection method: clinical testing. Allele origin: unknown.

Color Diagnostics, LLC DBA Color Health
Classification: Uncertain significance for Hereditary cancer-predisposing syndrome. Last evaluated: 2024-03-06. Review status: criteria provided, single submitter. Criteria: ACMG Guidelines, 2015. Collection method: clinical testing. Allele origin: germline.
Comment: This missense variant replaces asparagine with serine at codon 2206 of the APC protein. Computational prediction tool suggests that this variant may not impact protein structure and function (internally defined REVEL score threshold <=0.5, PMID: 27666373). Splice site prediction tools suggest that this variant may not impact RNA splicing. To our knowledge, functional studies have not been performed for this variant. This variant has not been reported in individuals affected with hereditary cancer in the literature. This variant has not been identified in the general population by the Genome Aggregation Database (gnomAD). The available evidence is insufficient to determine the role of this variant in disease conclusively. Therefore, this variant is classified as a Variant of Uncertain Significance.